The following is an entry in ClinVar:

NM_001130438.3(SPTAN1):c.128C>A (p.Ser43Tyr)

Gene: SPTAN1 (spectrin alpha, non-erythrocytic 1; plus strand). Cytogenetic location: 9q34.11.
Variant type: single nucleotide variant.
Coding change: c.128C>A on transcript NM_001130438.3 (MANE Select); coding-DNA position 128, C replaced by A.
Protein change: p.Ser43Tyr; replaces serine 43 with tyrosine.
Molecular consequence: missense variant.
Genome position (GRCh38, 1-based): chr9:128,566,868, C>A. VCF-style: chr9-128566868-C-A. GRCh37 (hg19) VCF-style: chr9-131329147-C-A.
Other names: c.128C>A, p.Ser43Tyr (NM_001195532.2, NM_001363759.2, NM_001363765.2 and 5 more transcripts); c.164C>A, p.Ser55Tyr (NM_001375312.2, NM_001375318.1); short protein forms S43Y, S55Y.
Identifiers: ClinVar variation 3027070 (VCV003027070.22), dbSNP rs2540899988, ClinGen allele CA375049700.
Genomic context (GRCh38, chr9:128,566,868, plus strand): 5'-TAGACCGATACCACCGCTTCAAGGAACTCTCAACCCTTAGGCGTCAGAAGCTGGAAGATT[C>A]CTATCGATTCCAGTTCTTTCAAAGAGATGCTGAAGAGCTGGAGAAATGGATACAGGAAAA-3'
Protein context (NP_001123910.1, residues 33-53): STLRRQKLED[Ser43Tyr]YRFQFFQRDA

ClinVar aggregate classification (germline): Uncertain significance (1 of 4 stars; one submission).

Submission:

CeGaT Center for Human Genetics Tuebingen
Classification: Uncertain significance. Last evaluated: 2024-01-01. Review status: criteria provided, single submitter. Criteria: CeGaT Center For Human Genetics Tuebingen Variant Classification Criteria Version 2. Collection method: clinical testing. Allele origin: germline. Affected: yes. Observed: 1 variant allele.
Comment: SPTAN1: PM2